The following is an entry in ClinVar:

NM_000361.3(THBD):c.1096G>A (p.Val366Met)

Gene: THBD (thrombomodulin; minus strand). Cytogenetic location: 20p11.21.
Variant type: single nucleotide variant.
Coding change: c.1096G>A on transcript NM_000361.3 (MANE Select); coding-DNA position 1096, G replaced by A.
Protein change: p.Val366Met; replaces valine 366 with methionine.
Molecular consequence: missense variant.
Genome position (GRCh38, 1-based): chr20:23,048,409, C>T on the plus strand (G>A on the coding strand, the complement: THBD is on the minus strand). VCF-style: chr20-23048409-C-T. GRCh37 (hg19) VCF-style: chr20-23029046-C-T.
Other names: short protein forms V366M.
Identifiers: ClinVar variation 2982793 (VCV002982793.4), dbSNP rs772894484, ClinGen allele CA9787623.
Genomic context (GRCh38, chr20:23,048,409, plus strand): 5'-AGCTAGTTTGGTTCAGGGGCTGGCACTGGTACTCGCAGTTGGCTCTGAAGCACGGGTCCA[C>T]GGGCTCCACACACTCGCCGTCCACCAGGTCGTAGTTAGGGTAGCAGTGGCACTCGAAGCC-3'
Protein context (NP_000352.1, residues 356-376): DLVDGECVEP[Val366Met]DPCFRANCEY

ClinVar aggregate classification (germline): Uncertain significance. Review status: criteria provided, multiple submitters, no conflicts (2 of 4 stars). 2 submissions from 2 submitters: Uncertain significance (2). Last evaluated 2025-11-27.

Conditions:
Thrombomodulin-related bleeding disorder (THPH12). Also called: Thrombophilia due to thrombomodulin defect. Identifiers: Orphanet 436169, MedGen C3280976, MONDO:0013775, OMIM 614486.
Atypical hemolytic-uremic syndrome with thrombomodulin anomaly. Also called: HEMOLYTIC UREMIC SYNDROME, ATYPICAL, SUSCEPTIBILITY TO, 6; AHUS, SUSCEPTIBILITY TO, 6. Identifiers: MedGen C2752036, MONDO:0013044, OMIM 612926. Disease mechanism: gain of function.

Allele frequency attached by ClinVar (database versions not stated): gnomAD 0.00001; TOPMed 0.00001; ExAC 0.00002.

Submissions (2):

Labcorp Genetics (formerly Invitae), Labcorp
Classification: Uncertain significance. Last evaluated: 2025-11-27. Review status: criteria provided, single submitter. Criteria: Invitae Variant Classification Sherloc (09022015). Collection method: clinical testing. Allele origin: germline.
Comment: This sequence change replaces valine, which is neutral and non-polar, with methionine, which is neutral and non-polar, at codon 366 of the THBD protein (p.Val366Met). This variant is present in population databases (rs772894484, gnomAD 0.01%). This variant has not been reported in the literature in individuals affected with THBD-related conditions. ClinVar contains an entry for this variant (Variation ID: 2982793). Invitae Evidence Modeling of protein sequence and biophysical properties (such as structural, functional, and spatial information, amino acid conservation, physicochemical variation, residue mobility, and thermodynamic stability) indicates that this missense variant is not expected to disrupt THBD protein function with a negative predictive value of 80%. In summary, the available evidence is currently insufficient to determine the role of this variant in disease. Therefore, it has been classified as a Variant of Uncertain Significance.

Fulgent Genetics
Classification: Uncertain significance for Atypical hemolytic-uremic syndrome with thrombomodulin anomaly; Thrombomodulin-related bleeding disorder. Last evaluated: 2023-12-26. Review status: criteria provided, single submitter. Criteria: ACMG Guidelines, 2015. Collection method: clinical testing. Allele origin: germline.